The following is an entry in ClinVar:

ClinVar aggregate classification (germline): Likely benign. Review status: criteria provided, single submitter (1 of 4 stars). 2 submissions from 2 submitters: Likely benign (1). 1 of the submissions does not count toward it. Last evaluated 2023-07-01.

Conditions:
LRP1-related disorder. Also called: LRP1-related condition.

Allele frequency attached by ClinVar (database versions not stated): gnomAD 0.00003; TOPMed 0.00003; ExAC 0.00008.
gnomAD v4.1: 67 of 1,613,552 alleles (0.0042%); highest among the groups gnomAD compares: Admixed American, 0.023%; no homozygotes.

Submissions (2):

CeGaT Center for Human Genetics Tuebingen
Classification: Likely benign. Last evaluated: 2023-07-01. Review status: criteria provided, single submitter. Criteria: CeGaT Center For Human Genetics Tuebingen Variant Classification Criteria Version 2. Collection method: clinical testing. Allele origin: germline. Affected: yes. Observed: 1 variant allele.
Comment: LRP1: BP4, BP7

PreventionGenetics, part of Exact Sciences
Classification: Likely benign for LRP1-related condition. Last evaluated: 2019-06-11. Review status: no assertion criteria provided. Collection method: clinical testing. Allele origin: germline. Not counted in ClinVar's aggregate classification.
Comment: This variant is classified as likely benign based on ACMG/AMP sequence variant interpretation guidelines (Richards et al. 2015 PMID: 25741868, with internal and published modifications).

NM_002332.3(LRP1):c.10650C>T (p.Pro3550=)

Gene: LRP1 (LDL receptor related protein 1; plus strand). Cytogenetic location: 12q13.3.
Variant type: single nucleotide variant.
Coding change: c.10650C>T on transcript NM_002332.3 (MANE Select); coding-DNA position 10650, C replaced by T.
Protein change: p.Pro3550=; no amino-acid change (proline 3550 retained).
Molecular consequence: synonymous variant.
Genome position (GRCh38, 1-based): chr12:57,202,476, C>T. VCF-style: chr12-57202476-C-T. GRCh37 (hg19) VCF-style: chr12-57596259-C-T.
Other names: c.10650C>T (NM_002332.2).
Identifiers: ClinVar variation 2643126 (VCV002643126.25), dbSNP rs754352470, ClinGen allele CA6645032.